The following is an entry in ClinVar:

NM_006254.4(PRKCD):c.140A>C (p.Lys47Thr)

Gene: PRKCD (protein kinase C delta; plus strand). Cytogenetic location: 3p21.1.
Variant type: single nucleotide variant.
Coding change: c.140A>C on transcript NM_006254.4 (MANE Select); coding-DNA position 140, A replaced by C.
Protein change: p.Lys47Thr; replaces lysine 47 with threonine.
Molecular consequence: missense variant.
Genome position (GRCh38, 1-based): chr3:53,179,601, A>C. VCF-style: chr3-53179601-A-C. GRCh37 (hg19) VCF-style: chr3-53213617-A-C.
Other names: c.140A>C, p.Lys47Thr (NM_001316327.2, NM_001354679.2, NM_001354680.2 and 1 more transcripts); c.197A>C, p.Lys66Thr (NM_001354676.2); c.188A>C, p.Lys63Thr (NM_001354678.2); short protein forms K47T, K63T, K66T.
Identifiers: ClinVar variation 1039490 (VCV001039490.8), dbSNP rs1553666756, ClinGen allele CA353233051.
Genomic context (GRCh38, chr3:53,179,601, plus strand): 5'-CCATGGCCCAACCTTCTCTGCCTGGCCTTGTTGCAGAGCGTGGGAAAACACTGGTGCAGA[A>C]GAAGCCGACCATGTATCCTGAGTGGAAGTCGACGTTCGATGCCCACATCTATGAGGGGCG-3'
Protein context (NP_006245.2, residues 37-57): STERGKTLVQ[Lys47Thr]KPTMYPEWKS

ClinVar aggregate classification (germline): Uncertain significance. Review status: criteria provided, multiple submitters, no conflicts (2 of 4 stars). 2 submissions from 2 submitters: Uncertain significance (2). Last evaluated 2024-01-10.

Conditions:
Autoimmune lymphoproliferative syndrome, type III caused by mutation in PRKCD. Identifiers: Orphanet 3261, Orphanet 664711, MedGen C3809928, MONDO:8000024, OMIM 615559.

gnomAD v4.1: 1 of 1,614,222 alleles (0.000062%); highest among the groups gnomAD compares: Non-Finnish European, 0.000085%; no homozygotes.

Submissions (2):

Blueprint Genetics
Classification: Uncertain significance. Last evaluated: 2024-01-10. Review status: criteria provided, single submitter. Criteria: ACMG Guidelines, 2015. Collection method: clinical testing. Allele origin: germline.

Labcorp Genetics (formerly Invitae), Labcorp
Classification: Uncertain significance for Autoimmune lymphoproliferative syndrome, type III caused by mutation in PRKCD. Last evaluated: 2020-08-14. Review status: criteria provided, single submitter. Criteria: Invitae Variant Classification Sherloc (09022015). Collection method: clinical testing. Allele origin: germline.
Comment: In summary, the available evidence is currently insufficient to determine the role of this variant in disease. Therefore, it has been classified as a Variant of Uncertain Significance. Algorithms developed to predict the effect of missense changes on protein structure and function are either unavailable or do not agree on the potential impact of this missense change (SIFT: "Deleterious"; PolyPhen-2: "Benign"; Align-GVGD: "Class C0"). This variant has not been reported in the literature in individuals with PRKCD-related conditions. This variant is not present in population databases (ExAC no frequency). This sequence change replaces lysine with threonine at codon 47 of the PRKCD protein (p.Lys47Thr). The lysine residue is highly conserved and there is a moderate physicochemical difference between lysine and threonine.